The following is an entry in ClinVar:

NM_020632.3(ATP6V0A4):c.1363A>G (p.Met455Val)

Gene: ATP6V0A4 (ATPase H+ transporting V0 subunit a4; minus strand). Cytogenetic location: 7q34.
Variant type: single nucleotide variant.
Coding change: c.1363A>G on transcript NM_020632.3 (MANE Select); coding-DNA position 1363, A replaced by G.
Protein change: p.Met455Val; replaces methionine 455 with valine.
Molecular consequence: missense variant.
Genome position (GRCh38, 1-based): chr7:138,745,238, T>C on the plus strand (A>G on the coding strand, the complement: ATP6V0A4 is on the minus strand). VCF-style: chr7-138745238-T-C. GRCh37 (hg19) VCF-style: chr7-138429983-T-C.
Other names: c.1363A>G, p.Met455Val (NM_130840.3, NM_130841.3); short protein forms M455V.
Identifiers: ClinVar variation 2870440 (VCV002870440.3), dbSNP rs1367296514, ClinGen allele CA369371051.

ClinVar aggregate classification (germline): Uncertain significance (1 of 4 stars; one submission).

Allele frequency attached by ClinVar (database versions not stated): gnomAD exomes below 0.00001; gnomAD 0.00001; TOPMed 0.00002.
gnomAD v4.1: 6 of 1,613,546 alleles (0.00037%); highest among the groups gnomAD compares: Admixed American, 0.0033%; no homozygotes.

Submission:

Labcorp Genetics (formerly Invitae), Labcorp
Classification: Uncertain significance. Last evaluated: 2023-12-03. Review status: criteria provided, single submitter. Criteria: Invitae Variant Classification Sherloc (09022015). Collection method: clinical testing. Allele origin: germline.
Comment: This sequence change replaces methionine, which is neutral and non-polar, with valine, which is neutral and non-polar, at codon 455 of the ATP6V0A4 protein (p.Met455Val). This variant is present in population databases (no rsID available, gnomAD 0.003%). This variant has not been reported in the literature in individuals affected with ATP6V0A4-related conditions. Advanced modeling of protein sequence and biophysical properties (such as structural, functional, and spatial information, amino acid conservation, physicochemical variation, residue mobility, and thermodynamic stability) performed at Invitae indicates that this missense variant is expected to disrupt ATP6V0A4 protein function with a positive predictive value of 80%. In summary, the available evidence is currently insufficient to determine the role of this variant in disease. Therefore, it has been classified as a Variant of Uncertain Significance.